The following is an entry in ClinVar:

NM_015295.3(SMCHD1):c.1930A>G (p.Thr644Ala)

Gene: SMCHD1 (structural maintenance of chromosomes flexible hinge domain containing 1; plus strand). Cytogenetic location: 18p11.32.
Variant type: single nucleotide variant.
Coding change: c.1930A>G on transcript NM_015295.3 (MANE Select); coding-DNA position 1930, A replaced by G.
Protein change: p.Thr644Ala; replaces threonine 644 with alanine.
Molecular consequence: missense variant.
Genome position (GRCh38, 1-based): chr18:2,705,781, A>G. VCF-style: chr18-2705781-A-G. GRCh37 (hg19) VCF-style: chr18-2705779-A-G.
Other names: short protein forms T644A.
Identifiers: ClinVar variation 1468382 (VCV001468382.8), dbSNP rs1201929244, ClinGen allele CA401679667.
Genomic context (GRCh38, chr18:2,705,781, plus strand): 5'-TTTTATGGAAGCATAGTAAGATTTTTTCTTTATGGCGATCATGATGGAGAAGTATATGCT[A>G]CAGGAGGAGAGGTTCAAATTGCAATGGTAAGACAGCAAGTGATAAAACATACTGAAAGTT-3'
Protein context (NP_056110.2, residues 634-654): YGDHDGEVYA[Thr644Ala]GGEVQIAMEP

ClinVar aggregate classification (germline): Uncertain significance (1 of 4 stars; one submission).

Conditions:
Facioscapulohumeral muscular dystrophy 2 (FSHD2). Also called: FACIOSCAPULOHUMERAL MUSCULAR DYSTROPHY 2, DIGENIC; FSHD2, DIGENIC; MUSCULAR DYSTROPHY, FACIOSCAPULOHUMERAL, TYPE 1B. Identifiers: Orphanet 269, MedGen C1834671, MONDO:0008031, OMIM 158901.

Allele frequency attached by ClinVar (database versions not stated): gnomAD exomes below 0.00001.
gnomAD v4.1: 2 of 1,603,494 alleles (0.00012%); highest among the groups gnomAD compares: Non-Finnish European, 0.00017%; no homozygotes.

Submission:

Labcorp Genetics (formerly Invitae), Labcorp
Classification: Uncertain significance for Facioscapulohumeral muscular dystrophy 2. Last evaluated: 2021-05-05. Review status: criteria provided, single submitter. Criteria: Invitae Variant Classification Sherloc (09022015). Collection method: clinical testing. Allele origin: germline.
Comment: In summary, the available evidence is currently insufficient to determine the role of this variant in disease. Therefore, it has been classified as a Variant of Uncertain Significance. Algorithms developed to predict the effect of missense changes on protein structure and function (SIFT, PolyPhen-2, Align-GVGD) all suggest that this variant is likely to be disruptive, but these predictions have not been confirmed by published functional studies and their clinical significance is uncertain. This variant has not been reported in the literature in individuals with SMCHD1-related conditions. This variant is not present in population databases (ExAC no frequency). This sequence change replaces threonine with alanine at codon 644 of the SMCHD1 protein (p.Thr644Ala). The threonine residue is highly conserved and there is a small physicochemical difference between threonine and alanine.